The following is an entry in ClinVar:

NM_002180.3(IGHMBP2):c.1762G>A (p.Val588Ile)

Gene: IGHMBP2 (immunoglobulin mu DNA binding protein 2; plus strand). Cytogenetic location: 11q13.3.
Variant type: single nucleotide variant.
Coding change: c.1762G>A on transcript NM_002180.3 (MANE Select); coding-DNA position 1762, G replaced by A.
Protein change: p.Val588Ile; replaces valine 588 with isoleucine.
Molecular consequence: missense variant.
Genome position (GRCh38, 1-based): chr11:68,936,242, G>A. VCF-style: chr11-68936242-G-A. GRCh37 (hg19) VCF-style: chr11-68703710-G-A.
Other names: short protein forms V588I.
Identifiers: ClinVar variation 1439503 (VCV001439503.5), dbSNP rs1566445855, ClinGen allele CA381651459.
Genomic context (GRCh38, chr11:68,936,242, plus strand): 5'-TGACTGTGTTTCTTAGTCTGAAACCTGCTTCTCACTCCCCTCTGGCCTTTTGTAGGTGAA[G>A]TTGGTTTTCTTGCTGAGGACCGGAGGATCAACGTGGCTGTCACCCGTGCCCGACGCCACG-3'
Protein context (NP_002171.2, residues 578-598): SFVRSNRKGE[Val588Ile]GFLAEDRRIN

ClinVar aggregate classification (germline): Uncertain significance (1 of 4 stars; one submission).

Conditions:
Charcot-Marie-Tooth disease axonal type 2S. Also called: CHARCOT-MARIE-TOOTH NEUROPATHY, TYPE 2S; CHARCOT-MARIE-TOOTH DISEASE, AXONAL, AUTOSOMAL RECESSIVE, TYPE 2S. Identifiers: Orphanet 443073, MedGen C4015349, MONDO:0014511, OMIM 616155.
Autosomal recessive distal spinal muscular atrophy 1. Also called: HMN VI; Spinal muscular atrophy with respiratory distress 1; NEURONOPATHY, SEVERE INFANTILE AXONAL, WITH RESPIRATORY FAILURE; NEURONOPATHY, DISTAL HEREDITARY MOTOR, HARDING TYPE VI; NEUROPATHY, DISTAL HEREDITARY MOTOR, AUTOSOMAL RECESSIVE 1; SEVERE INFANTILE AXONAL NEUROPATHY WITH RESPIRATORY FAILURE. Identifiers: Orphanet 98920, MedGen C1858517, MONDO:0011436, OMIM 604320.

Allele frequency attached by ClinVar (database versions not stated): gnomAD exomes below 0.00001; gnomAD 0.00001.
gnomAD v4.1: 3 of 1,614,020 alleles (0.00019%); highest among the groups gnomAD compares: Non-Finnish European, 0.00025%; no homozygotes.

Submission:

Labcorp Genetics (formerly Invitae), Labcorp
Classification: Uncertain significance for Autosomal recessive distal spinal muscular atrophy 1; Charcot-Marie-Tooth disease axonal type 2S. Last evaluated: 2021-09-01. Review status: criteria provided, single submitter. Criteria: Invitae Variant Classification Sherloc (09022015). Collection method: clinical testing. Allele origin: germline.
Comment: This sequence change replaces valine with isoleucine at codon 588 of the IGHMBP2 protein (p.Val588Ile). The valine residue is moderately conserved and there is a small physicochemical difference between valine and isoleucine. This variant is not present in population databases (ExAC no frequency). This variant has not been reported in the literature in individuals affected with IGHMBP2-related conditions. Algorithms developed to predict the effect of missense changes on protein structure and function are either unavailable or do not agree on the potential impact of this missense change (SIFT: "Tolerated"; PolyPhen-2: "Possibly Damaging"; Align-GVGD: "Class C0"). In summary, the available evidence is currently insufficient to determine the role of this variant in disease. Therefore, it has been classified as a Variant of Uncertain Significance.